The following is an entry in ClinVar:

NM_032383.5(HPS3):c.218-2A>G

Gene: HPS3 (HPS3 biogenesis of lysosomal organelles complex 2 subunit 1; plus strand). Cytogenetic location: 3q24.
Variant type: single nucleotide variant.
Coding change: c.218-2A>G on transcript NM_032383.5 (MANE Select); the canonical splice acceptor site of the intron before coding-DNA position 218, A replaced by G.
Molecular consequence: splice acceptor variant. On other transcripts: intron variant (1).
Genome position (GRCh38, 1-based): chr3:149,140,002, A>G. VCF-style: chr3-149140002-A-G. GRCh37 (hg19) VCF-style: chr3-148857789-A-G.
Other names: c.218-1015A>G (NM_001308258.2).
Identifiers: ClinVar variation 852700 (VCV000852700.8), dbSNP rs1722335253, ClinGen allele CA354909628.

ClinVar aggregate classification (germline): Likely pathogenic (1 of 4 stars; one submission).

Submission:

Labcorp Genetics (formerly Invitae), Labcorp
Classification: Likely pathogenic. Last evaluated: 2024-02-19. Review status: criteria provided, single submitter. Criteria: Invitae Variant Classification Sherloc (09022015). Collection method: clinical testing. Allele origin: germline.
Comment: This sequence change affects an acceptor splice site in intron 1 of the HPS3 gene. It is expected to disrupt RNA splicing. Variants that disrupt the donor or acceptor splice site typically lead to a loss of protein function (PMID: 16199547), and loss-of-function variants in HPS3 are known to be pathogenic (PMID: 11590544). This variant is not present in population databases (gnomAD no frequency). This variant has not been reported in the literature in individuals affected with HPS3-related conditions. ClinVar contains an entry for this variant (Variation ID: 852700). Algorithms developed to predict the effect of sequence changes on RNA splicing suggest that this variant may disrupt the consensus splice site. In summary, the currently available evidence indicates that the variant is pathogenic, but additional data are needed to prove that conclusively. Therefore, this variant has been classified as Likely Pathogenic.

Literature cited by the submitters: PubMed 16199547; PubMed 11590544.